The following is an entry in ClinVar:

NM_004998.4(MYO1E):c.3250+16_3250+18delinsTCC

Gene: MYO1E (myosin IE; minus strand). Cytogenetic location: 15q22.2.
Variant type: Indel.
Coding change: c.3250+16_3250+18delinsTCC on transcript NM_004998.4 (MANE Select); bases 16 to 18 of the intron after coding-DNA position 3250, GTT replaced by TCC.
Molecular consequence: intron variant.
Genome position (GRCh38, 1-based): chr15:59,138,180-59,138,182, AAC replaced by GGA on the plus strand (GTT replaced by TCC on the coding strand, the reverse complement: MYO1E is on the minus strand). VCF-style: chr15-59138180-AAC-GGA. GRCh37 (hg19) VCF-style: chr15-59430379-AAC-GGA.
Identifiers: ClinVar variation 1899714 (VCV001899714.5), dbSNP rs2541974123, ClinGen allele CA2580089817.

ClinVar aggregate classification (germline): Uncertain significance (1 of 4 stars; one submission).

Submission:

Labcorp Genetics (formerly Invitae), Labcorp
Classification: Uncertain significance. Last evaluated: 2022-07-16. Review status: criteria provided, single submitter. Criteria: Invitae Variant Classification Sherloc (09022015). Collection method: clinical testing. Allele origin: germline.
Comment: Experimental studies and prediction algorithms are not available or were not evaluated, and the effect of this variant on mRNA splicing is currently unknown. This sequence change falls in intron 27 of the MYO1E gene. It does not directly change the encoded amino acid sequence of the MYO1E protein. Information on the frequency of this variant in the gnomAD database is not available, as this variant may be reported differently in the database. This variant has not been reported in the literature in individuals affected with MYO1E-related conditions. In summary, the available evidence is currently insufficient to determine the role of this variant in disease. Therefore, it has been classified as a Variant of Uncertain Significance.